The following is an entry in ClinVar:

ClinVar aggregate classification (germline): Uncertain significance (1 of 4 stars; one submission).

Allele frequency attached by ClinVar (database versions not stated): gnomAD 0.00001; TOPMed 0.00004.
gnomAD v4.1: 13 of 1,613,422 alleles (0.00081%); highest among the groups gnomAD compares: Non-Finnish European, 0.001%; no homozygotes.

Submission:

Labcorp Genetics (formerly Invitae), Labcorp
Classification: Uncertain significance. Last evaluated: 2022-07-05. Review status: criteria provided, single submitter. Criteria: Invitae Variant Classification Sherloc (09022015). Collection method: clinical testing. Allele origin: germline.
Comment: This sequence change replaces lysine, which is basic and polar, with glutamic acid, which is acidic and polar, at codon 259 of the EFL1 protein (p.Lys259Glu). This variant is not present in population databases (gnomAD no frequency). This variant has not been reported in the literature in individuals affected with EFL1-related conditions. Algorithms developed to predict the effect of missense changes on protein structure and function are either unavailable or do not agree on the potential impact of this missense change (SIFT: "Tolerated"; PolyPhen-2: "Not Available"; Align-GVGD: "Class C0"). In summary, the available evidence is currently insufficient to determine the role of this variant in disease. Therefore, it has been classified as a Variant of Uncertain Significance.

NM_024580.6(EFL1):c.775A>G (p.Lys259Glu)

Gene: EFL1 (elongation factor like GTPase 1; minus strand). Cytogenetic location: 15q25.2.
Variant type: single nucleotide variant.
Coding change: c.775A>G on transcript NM_024580.6 (MANE Select); coding-DNA position 775, A replaced by G.
Protein change: p.Lys259Glu; replaces lysine 259 with glutamic acid.
Molecular consequence: missense variant. On other transcripts: 5 prime UTR variant (1), non-coding transcript variant (1).
Genome position (GRCh38, 1-based): chr15:82,230,928, T>C on the plus strand (A>G on the coding strand, the complement: EFL1 is on the minus strand). VCF-style: chr15-82230928-T-C. GRCh37 (hg19) VCF-style: chr15-82523269-T-C.
Other names: c.622A>G, p.Lys208Glu (NM_001040610.3); c.-15A>G (NM_001322844.2); c.775A>G, p.Lys259Glu (NM_001322845.2); short protein forms K208E, K259E.
Identifiers: ClinVar variation 2085120 (VCV002085120.1), dbSNP rs1166081021, ClinGen allele CA393278900.